The following is an entry in ClinVar:

ClinVar aggregate classification (germline): Uncertain significance (1 of 4 stars; one submission).

Conditions:
Cardiovascular phenotype. Identifiers: MedGen CN230736.

Allele frequency attached by ClinVar (database versions not stated): TOPMed 0.00001.

Submission:

Ambry Genetics
Classification: Uncertain significance for Cardiovascular phenotype. Last evaluated: 2022-10-02. Review status: criteria provided, single submitter. Criteria: Ambry Variant Classification Scheme 2023. Collection method: clinical testing. Allele origin: germline.
Comment: The p.S245R variant (also known as c.735C>G), located in coding exon 2 of the TNXB gene, results from a C to G substitution at nucleotide position 735. The serine at codon 245 is replaced by arginine, an amino acid with dissimilar properties. This amino acid position is conserved. In addition, this alteration is predicted to be tolerated by in silico analysis. Since supporting evidence is limited at this time, the clinical significance of this alteration remains unclear.

NM_001365276.2(TNXB):c.735C>G (p.Ser245Arg)

Gene: TNXB (tenascin XB; minus strand). Cytogenetic location: 6p21.33.
Variant type: single nucleotide variant.
Coding change: c.735C>G on transcript NM_001365276.2 (MANE Select); coding-DNA position 735, C replaced by G.
Protein change: p.Ser245Arg; replaces serine 245 with arginine.
Molecular consequence: missense variant.
Genome position (GRCh38, 1-based): chr6:32,097,118, G>C on the plus strand (C>G on the coding strand, the complement: TNXB is on the minus strand). VCF-style: chr6-32097118-G-C. GRCh37 (hg19) VCF-style: chr6-32064895-G-C.
Other names: c.735C>G, p.Ser245Arg (NM_019105.8); short protein forms S245R.
Identifiers: ClinVar variation 1758489 (VCV001758489.2), dbSNP rs1780451974, ClinGen allele CA363485527.